The following is an entry in ClinVar:

NM_000257.4(MYH7):c.503-4A>G

Gene: MYH7 (myosin heavy chain 7; minus strand). Cytogenetic location: 14q11.2.
Variant type: single nucleotide variant.
Coding change: c.503-4A>G on transcript NM_000257.4 (MANE Select); 4 bases into the intron before coding-DNA position 503, A replaced by G.
Molecular consequence: intron variant.
Genome position (GRCh38, 1-based): chr14:23,432,510, T>C on the plus strand (A>G on the coding strand, the complement: MYH7 is on the minus strand). VCF-style: chr14-23432510-T-C. GRCh37 (hg19) VCF-style: chr14-23901719-T-C.
Identifiers: ClinVar variation 132937 (VCV000132937.21), dbSNP rs376022200, ClinGen allele CA015599.

ClinVar aggregate classification (germline): Conflicting classifications of pathogenicity. Review status: criteria provided, conflicting classifications (1 of 4 stars). 7 submissions from 7 submitters: Uncertain significance (1); Likely benign (4). 2 of the submissions do not count toward it. Last evaluated 2025-06-09.

Conditions:
MYH7-related disorder. Also called: MYH7-related condition; MYH7-related disease; MYH7-related disorders.
Hypertrophic cardiomyopathy. Also called: HYPERTROPHIC MYOCARDIOPATHY. Identifiers: Orphanet 217569, MedGen C0007194, MeSH D002312, MONDO:0005045, HP:0001639.
Cardiomyopathy (CMYO). Also called: Cardiomyopathies. Identifiers: Orphanet 167848, MedGen C0878544, MONDO:0004994, HP:0001638. Inheritance: Various modes of inheritance.
Cardiovascular phenotype. Identifiers: MedGen CN230736.
Familial cardiomyopathy. Identifiers: MedGen C0264789, MONDO:0005217.

Allele frequency attached by ClinVar (database versions not stated): gnomAD exomes 0.00001; gnomAD 0.00002; TOPMed 0.00002; ESP Exome Variant Server 0.00008.
gnomAD v4.1: 18 of 1,613,724 alleles (0.0011%); highest among the groups gnomAD compares: African/African-American, 0.0053%; no homozygotes.

Submissions (7):

Labcorp Genetics (formerly Invitae), Labcorp
Classification: Likely benign for Hypertrophic cardiomyopathy. Last evaluated: 2025-06-09. Review status: criteria provided, single submitter. Criteria: Invitae Variant Classification Sherloc (09022015). Collection method: clinical testing. Allele origin: germline.

All of Us Research Program, National Institutes of Health
Classification: Uncertain significance for Cardiomyopathy. Last evaluated: 2023-08-15. Review status: criteria provided, single submitter. Criteria: ACMG Guidelines, 2015. Collection method: clinical testing. Allele origin: germline. Inheritance: Autosomal dominant inheritance. Observed: 4 variant alleles, 4 heterozygotes.
Comment: This study involves interpretation of variants in research participants for the purpose of population health screening. Participant phenotype was not available at the time of variant classification. Additional details can be found in publication PMID: 35346344, PMCID: PMC8962531

Ambry Genetics
Classification: Likely benign for Cardiovascular phenotype. Last evaluated: 2022-07-25. Review status: criteria provided, single submitter. Criteria: Ambry Variant Classification Scheme 2023. Collection method: clinical testing. Allele origin: germline.

GeneDx
Classification: Likely benign. Last evaluated: 2019-04-08. Review status: criteria provided, single submitter. Criteria: GeneDx Variant Classification Process June 2021. Collection method: clinical testing. Allele origin: germline. Affected: yes.

Color Diagnostics, LLC DBA Color Health
Classification: Likely benign for Cardiomyopathy. Last evaluated: 2018-11-16. Review status: criteria provided, single submitter. Criteria: ACMG Guidelines, 2015. Collection method: clinical testing. Allele origin: germline.

PreventionGenetics, part of Exact Sciences
Classification: Likely benign for MYH7-related condition. Last evaluated: 2023-01-03. Review status: no assertion criteria provided. Collection method: clinical testing. Allele origin: germline. Not counted in ClinVar's aggregate classification.
Comment: This variant is classified as likely benign based on ACMG/AMP sequence variant interpretation guidelines (Richards et al. 2015 PMID: 25741868, with internal and published modifications).

Evolutionary and Medical Genetics Laboratory,  Centre for Cellular and Molecular Biology
Classification: Uncertain significance. Review status: no assertion criteria provided. Collection method: not provided. Allele origin: unknown. Not counted in ClinVar's aggregate classification.
ClinVar note: Converted during submission from unknown to Uncertain significance.